The following is an entry in ClinVar:

ClinVar aggregate classification (germline): Uncertain significance (1 of 4 stars; one submission).

Conditions:
Joubert syndrome. Also called: Familial aplasia of the vermis; CEREBELLOPARENCHYMAL DISORDER IV; JOUBERT-BOLTSHAUSER SYNDROME. Identifiers: Orphanet 475, MedGen C5979921, MONDO:0018772.

Submission:

Labcorp Genetics (formerly Invitae), Labcorp
Classification: Uncertain significance for Joubert syndrome. Last evaluated: 2020-07-03. Review status: criteria provided, single submitter. Criteria: Invitae Variant Classification Sherloc (09022015). Collection method: clinical testing. Allele origin: germline.
Comment: In summary, the available evidence is currently insufficient to determine the role of this variant in disease. Therefore, it has been classified as a Variant of Uncertain Significance. Experimental studies and prediction algorithms are not available or were not evaluated, and the functional significance of this variant is currently unknown. This variant has not been reported in the literature in individuals with AHI1-related conditions. This variant is an in-frame deletion of the genomic region encompassing exons 10-12 of the AHI1 gene. It preserves the integrity of the reading frame.

NC_000006.11:g.(?_135768146)_(135774574_?)del

Gene: AHI1 (Abelson helper integration site 1; minus strand). Cytogenetic location: 6q23.3.
Variant type: Deletion.
Identifiers: ClinVar variation 1017309 (VCV001017309.7).